The following is an entry in ClinVar:

ClinVar aggregate classification (germline): Uncertain significance (1 of 4 stars; one submission).

Submission:

Labcorp Genetics (formerly Invitae), Labcorp
Classification: Uncertain significance. Last evaluated: 2026-01-17. Review status: criteria provided, single submitter. Criteria: Invitae Variant Classification Sherloc (09022015). Collection method: clinical testing. Allele origin: germline.
Comment: This variant, c.364_396del, results in the deletion of 11 amino acid(s) of the THAP11 protein (p.Gln122_Gln132del), but otherwise preserves the integrity of the reading frame. This variant is not present in population databases (gnomAD no frequency). This variant has not been reported in the literature in individuals affected with THAP11-related conditions. ClinVar contains an entry for this variant (Variation ID: 2905659). Experimental studies and prediction algorithms are not available or were not evaluated, and the functional significance of this variant is currently unknown. In summary, the available evidence is currently insufficient to determine the role of this variant in disease. Therefore, it has been classified as a Variant of Uncertain Significance.

NM_020457.3(THAP11):c.364_396del (p.Gln122_Gln132del)

Genes: CENPT (centromere protein T; minus strand), THAP11 (THAP domain containing 11; plus strand). Cytogenetic location: 16q22.1.
Variant type: Deletion.
Coding change: c.364_396del on transcript NM_020457.3 (MANE Select); coding-DNA positions 364 to 396, 33 bases deleted.
Protein change: p.Gln122_Gln132del.
Molecular consequence: inframe deletion. On other transcripts: intron variant (1).
Genome position (GRCh38, 1-based): chr16:67,842,918-67,842,950, 33 bases deleted; deleting any 33 consecutive bases within chr16:67,842,903-67,842,950 gives the same sequence; the c. name uses the placement nearest the transcript's 3' end. GRCh37 (hg19): chr16:67,876,821-67,876,853.
Other names: c.-492+4466_-492+4498del (NM_025082.4).
Identifiers: ClinVar variation 2905659 (VCV002905659.3), dbSNP rs1467439542, ClinGen allele CA723102342.